The following is an entry in ClinVar:

ClinVar aggregate classification (germline): Uncertain significance. Review status: criteria provided, multiple submitters, no conflicts (2 of 4 stars). 3 submissions from 3 submitters: Uncertain significance (3). Last evaluated 2024-08-29.

Conditions:
Inborn genetic diseases. Identifiers: MedGen C0950123, MeSH D030342.
Jeune thoracic dystrophy. Also called: Short-rib thoracic dysplasia; Infantile thoracic dystrophy; Thoracic pelvic phalangeal dystrophy; Jeune's syndrome; Chondroectodermal dysplasia-like syndrome; Jeune syndrome. Identifiers: Orphanet 474, MedGen C0265275, MONDO:0018770.

Allele frequency attached by ClinVar (database versions not stated): TOPMed 0.00006; gnomAD exomes 0.00007; gnomAD 0.00009 and 0.00010; ExAC 0.00016; ESP Exome Variant Server 0.00017.
gnomAD v4.1: 119 of 1,563,292 alleles (0.0076%); highest among the groups gnomAD compares: Middle Eastern, 0.017%; no homozygotes.

Submissions (3):

GeneDx
Classification: Uncertain significance. Last evaluated: 2024-08-29. Review status: criteria provided, single submitter. Criteria: GeneDx Variant Classification Process June 2021. Collection method: clinical testing. Allele origin: germline. Affected: yes.
Comment: In silico analysis indicates that this missense variant does not alter protein structure/function; Has not been previously published as pathogenic or benign to our knowledge

Labcorp Genetics (formerly Invitae), Labcorp
Classification: Uncertain significance for Jeune thoracic dystrophy. Last evaluated: 2022-11-01. Review status: criteria provided, single submitter. Criteria: Invitae Variant Classification Sherloc (09022015). Collection method: clinical testing. Allele origin: germline.
Comment: This sequence change replaces arginine, which is basic and polar, with glutamine, which is neutral and polar, at codon 979 of the DYNC2H1 protein (p.Arg979Gln). The frequency data for this variant in the population databases is considered unreliable, as metrics indicate poor data quality at this position in the gnomAD database. This variant has not been reported in the literature in individuals affected with DYNC2H1-related conditions. ClinVar contains an entry for this variant (Variation ID: 1421932). Advanced modeling of protein sequence and biophysical properties (such as structural, functional, and spatial information, amino acid conservation, physicochemical variation, residue mobility, and thermodynamic stability) performed at Invitae indicates that this missense variant is not expected to disrupt DYNC2H1 protein function. In summary, the available evidence is currently insufficient to determine the role of this variant in disease. Therefore, it has been classified as a Variant of Uncertain Significance.

Ambry Genetics
Classification: Uncertain significance for Inborn genetic diseases. Last evaluated: 2021-10-22. Review status: criteria provided, single submitter. Criteria: Ambry Variant Classification Scheme 2023. Collection method: clinical testing. Allele origin: germline.

NM_001377.3(DYNC2H1):c.2936G>A (p.Arg979Gln)

Gene: DYNC2H1 (dynein cytoplasmic 2 heavy chain 1; plus strand). Cytogenetic location: 11q22.3.
Variant type: single nucleotide variant.
Coding change: c.2936G>A on transcript NM_001377.3 (MANE Select); coding-DNA position 2936, G replaced by A.
Protein change: p.Arg979Gln; replaces arginine 979 with glutamine.
Molecular consequence: missense variant.
Genome position (GRCh38, 1-based): chr11:103,148,607, G>A. VCF-style: chr11-103148607-G-A. GRCh37 (hg19) VCF-style: chr11-103019336-G-A.
Other names: c.2936G>A (NM_001080463.1); c.2936G>A, p.Arg979Gln (NM_001080463.2); short protein forms R979Q.
Identifiers: ClinVar variation 1421932 (VCV001421932.5), dbSNP rs201810959, ClinGen allele CA6253195.
Genomic context (GRCh38, chr11:103,148,607, plus strand): 5'-TGCCCCAGTCTGTGGAAGAAATTGGTGATGCAAATCTACAATATAGTAAGTTACAAGAAC[G>A]GAAGCCAGAGGTGAGAATCACAAAGTAAAATTATTATTATTACTTTTTACTGCATGGAAA-3'
Protein context (NP_001368.2, residues 969-989): ANLQYSKLQE[Arg979Gln]KPEILPLFQE